The following is an entry in ClinVar:

NM_001127511.3(APC):c.-199C>G

Genes: APC (APC regulator of Wnt signaling pathway; plus strand), LOC129994371 (ATAC-STARR-seq lymphoblastoid active region 22910; plus strand). Cytogenetic location: 5q22.2.
Variant type: single nucleotide variant.
Coding change: c.-199C>G on transcript NM_001127511.3; 199 bases upstream of the start codon, C replaced by G.
Molecular consequence: 5 prime UTR variant. On other transcripts: non-coding transcript variant (2).
Genome position (GRCh38, 1-based): chr5:112,707,519, C>G. VCF-style: chr5-112707519-C-G. GRCh37 (hg19) VCF-style: chr5-112043216-C-G.
Other names: c.-382C>G (NM_001354895.2, NM_001407447.1, NM_001407452.1 and 3 more transcripts); c.-199C>G (NM_001354897.2, NM_001354902.2, NM_001407446.1); c.-149C>G (NM_001407448.1, NM_001407450.1, NM_001407457.1 and 1 more transcripts); c.-173C>G (NM_001407453.1); c.-1417C>G (NM_001407470.1, NM_001407472.1).
Identifiers: ClinVar variation 1052999 (VCV001052999.7), dbSNP rs1750570047, ClinGen allele CA1573442387.
Genomic context (GRCh38, chr5:112,707,519, plus strand): 5'-TCCGGGCTGTGGGAAGCCAGCAACACCTCTCACGCATGCGCATTGTAGTCTTCCCACCTC[C>G]CACAAGATGGCGGAGGGCAAGTAGCAAGGGGGCGGGGTGTGGCCGCCGGAAGCCTAGCCG-3'

ClinVar aggregate classification (germline): Uncertain significance (1 of 4 stars; one submission).

Conditions:
Familial adenomatous polyposis 1 (FAP1). Also called: FAMILIAL ADENOMATOUS POLYPOSIS 1, ATTENUATED; POLYPOSIS, ADENOMATOUS INTESTINAL. Identifiers: MedGen C2713442, MONDO:0021056, OMIM 175100. Disease mechanism: loss of function.

Submission:

Labcorp Genetics (formerly Invitae), Labcorp
Classification: Uncertain significance for Familial adenomatous polyposis 1. Last evaluated: 2024-04-09. Review status: criteria provided, single submitter. Criteria: Invitae Variant Classification Sherloc (09022015). Collection method: clinical testing. Allele origin: germline.
Comment: This variant occurs in a non-coding region of the APC gene. It does not change the encoded amino acid sequence of the APC protein. This variant is not present in population databases (gnomAD no frequency). This variant has not been reported in the literature in individuals affected with APC-related conditions. Experimental studies and prediction algorithms are not available or were not evaluated, and the functional significance of this variant is currently unknown. In summary, the available evidence is currently insufficient to determine the role of this variant in disease. Therefore, it has been classified as a Variant of Uncertain Significance.